The following is an entry in ClinVar:

NM_182961.4(SYNE1):c.10300-5T>C

Gene: SYNE1 (spectrin repeat containing nuclear envelope protein 1; minus strand). Cytogenetic location: 6q25.2.
Variant type: single nucleotide variant.
Coding change: c.10300-5T>C on transcript NM_182961.4 (MANE Select); 5 bases into the intron before coding-DNA position 10300, T replaced by C.
Molecular consequence: intron variant.
Genome position (GRCh38, 1-based): chr6:152,359,463, A>G on the plus strand (T>C on the coding strand, the complement: SYNE1 is on the minus strand). VCF-style: chr6-152359463-A-G. GRCh37 (hg19) VCF-style: chr6-152680598-A-G.
Other names: p.?; c.10321-5T>C (NM_033071.5, NM_033071.3).
Identifiers: ClinVar variation 1529129 (VCV001529129.9), dbSNP rs1295479380, ClinGen allele CA571135528.

ClinVar aggregate classification (germline): Likely benign. Review status: criteria provided, multiple submitters, no conflicts (2 of 4 stars). 2 submissions from 2 submitters: Likely benign (2). Last evaluated 2025-04-17.

Conditions:
Emery-Dreifuss muscular dystrophy 4, autosomal dominant (EDMD4). Also called: EMERY-DREIFUSS MUSCULAR DYSTROPHY 4 WITH VARIABLE FEATURES. Identifiers: Orphanet 261, MedGen C2751807, MONDO:0013071, OMIM 612998.
Autosomal recessive ataxia, Beauce type. Also called: Spinocerebellar ataxia, autosomal recessive 8; ATAXIA, RECESSIVE, OF BEAUCE; SYNE1 Deficiency; SYNE1-Related Autosomal Recessive Cerebellar Ataxia. Identifiers: Orphanet 88644, MedGen C1853116, MONDO:0012549, OMIM 610743.

Allele frequency attached by ClinVar (database versions not stated): gnomAD exomes below 0.00001; TOPMed below 0.00001.
gnomAD v4.1: 1 of 1,614,174 alleles (0.000062%); highest among the groups gnomAD compares: Admixed American, 0.0017%; no homozygotes.

Submissions (2):

Mayo Clinic Laboratories, Mayo Clinic
Classification: Likely benign. Last evaluated: 2025-04-17. Review status: criteria provided, single submitter. Criteria: ACMG Guidelines, 2015. Collection method: clinical testing. Allele origin: germline. Observed: 1 variant allele.
Comment: BP4, BP7

Labcorp Genetics (formerly Invitae), Labcorp
Classification: Likely benign for Emery-Dreifuss muscular dystrophy 4, autosomal dominant; Autosomal recessive ataxia, Beauce type. Last evaluated: 2021-11-27. Review status: criteria provided, single submitter. Criteria: Invitae Variant Classification Sherloc (09022015). Collection method: clinical testing. Allele origin: germline.